The following is an entry in ClinVar:

NM_000557.5(GDF5):c.646G>T (p.Val216Leu)

Gene: GDF5 (growth differentiation factor 5; minus strand). Cytogenetic location: 20q11.22.
Variant type: single nucleotide variant.
Coding change: c.646G>T on transcript NM_000557.5 (MANE Select); coding-DNA position 646, G replaced by T.
Protein change: p.Val216Leu; replaces valine 216 with leucine.
Molecular consequence: missense variant.
Genome position (GRCh38, 1-based): chr20:35,434,769, C>A on the plus strand (G>T on the coding strand, the complement: GDF5 is on the minus strand). VCF-style: chr20-35434769-C-A. GRCh37 (hg19) VCF-style: chr20-34022567-C-A.
Other names: c.646G>T, p.Val216Leu (NM_001319138.2); short protein forms V216L.
Identifiers: ClinVar variation 1418041 (VCV001418041.8), dbSNP rs2146580105, ClinGen allele CA408741706.

ClinVar aggregate classification (germline): Uncertain significance (1 of 4 stars; one submission).

Submission:

Labcorp Genetics (formerly Invitae), Labcorp
Classification: Uncertain significance. Last evaluated: 2020-12-08. Review status: criteria provided, single submitter. Criteria: Invitae Variant Classification Sherloc (09022015). Collection method: clinical testing. Allele origin: germline.
Comment: In summary, the available evidence is currently insufficient to determine the role of this variant in disease. Therefore, it has been classified as a Variant of Uncertain Significance. Algorithms developed to predict the effect of missense changes on protein structure and function (SIFT, PolyPhen-2, Align-GVGD) all suggest that this variant is likely to be tolerated, but these predictions have not been confirmed by published functional studies and their clinical significance is uncertain. This variant has not been reported in the literature in individuals with GDF5-related conditions. This variant is not present in population databases (ExAC no frequency). This sequence change replaces valine with leucine at codon 216 of the GDF5 protein (p.Val216Leu). The valine residue is weakly conserved and there is a small physicochemical difference between valine and leucine.